The following is an entry in ClinVar:

ClinVar aggregate classification (germline): Pathogenic. Review status: criteria provided, multiple submitters, no conflicts (2 of 4 stars). 2 submissions from 2 submitters: Pathogenic (2). Last evaluated 2025-06-11.

Conditions:
MAGEL2-related disorder. Also called: MAGEL2-related condition.

Submissions (2):

PreventionGenetics, part of Exact Sciences
Classification: Pathogenic for MAGEL2-related condition. Last evaluated: 2025-06-11. Review status: criteria provided, single submitter. Criteria: ACMG Guidelines, 2015. Collection method: clinical testing. Allele origin: germline.
Comment: The MAGEL2 c.2821dupC variant is predicted to result in a frameshift and premature protein termination (p.Arg941Profs*10). This variant has been reported in an individual with Schaaf-Yang syndrome (Marbach et al. 2020. PubMed ID: 33076953). This variant is absent in a large population database (gnomAD), indicating this variant is rare. Frameshift variants in MAGEL2 leading to loss-of-function are an established mechanism of disease. This variant is interpreted as pathogenic.

GeneDx
Classification: Pathogenic. Last evaluated: 2023-01-13. Review status: criteria provided, single submitter. Criteria: GeneDx Variant Classification Process June 2021. Collection method: clinical testing. Allele origin: germline. Affected: yes.
Comment: Identified in a patient with congenital contractures, delayed motor development, and scoliosis in the published literature (Marbach et al., 2020); Not observed at significant frequency in large population cohorts (gnomAD); Frameshift variant predicted to result in protein truncation, as the last 309 amino acids are replaced with 9 different amino acids, and other loss-of-function variants have been reported downstream in HGMD; This variant is associated with the following publications: (PMID: 33076953)

NM_019066.5(MAGEL2):c.2821dup (p.Arg941fs)

Gene: MAGEL2 (MAGE family member L2; minus strand). Cytogenetic location: 15q11.2.
Variant type: Duplication.
Coding change: c.2821dup on transcript NM_019066.5 (MANE Select); coding-DNA position 2821, one base duplicated (C; older notation c.2821dupC).
Protein change: p.Arg941fs; shifts the reading frame from arginine 941.
Molecular consequence: frameshift variant.
Genome position (GRCh38, 1-based): chr15:23,644,922, G duplicated on the plus strand (C on the coding strand, the reverse complement: MAGEL2 is on the minus strand); the first of 6 consecutive G bases (chr15:23,644,922-23,644,927); duplicating any one gives the same sequence. VCF-style (leftmost placement, unchanged base first): chr15-23644921-C-CG. GRCh37 (hg19) VCF-style: chr15-23890068-C-CG.
Other names: c.2821dupC (NM_019066.4); short protein forms R941fs.
Identifiers: ClinVar variation 2574225 (VCV002574225.2), dbSNP rs2503975999, ClinGen allele CA645596337.